The following is an entry in ClinVar:

NM_000368.5(TSC1):c.3207A>G (p.Glu1069=)

Gene: TSC1 (TSC complex subunit 1; minus strand). Cytogenetic location: 9q34.13.
Variant type: single nucleotide variant.
Coding change: c.3207A>G on transcript NM_000368.5 (MANE Select); coding-DNA position 3207, A replaced by G.
Protein change: p.Glu1069=; no amino-acid change (glutamic acid 1069 retained).
Molecular consequence: synonymous variant.
Genome position (GRCh38, 1-based): chr9:132,896,523, T>C on the plus strand (A>G on the coding strand, the complement: TSC1 is on the minus strand). VCF-style: chr9-132896523-T-C. GRCh37 (hg19) VCF-style: chr9-135771910-T-C.
Other names: c.3204A>G, p.Glu1068= (NM_001162426.2); c.3054A>G, p.Glu1018= (NM_001162427.2); c.2844A>G, p.Glu948= (NM_001362177.2).
Identifiers: ClinVar variation 237717 (VCV000237717.47), dbSNP rs878853966, ClinGen allele CA10582621.

ClinVar aggregate classification (germline): Benign/Likely benign. Review status: criteria provided, multiple submitters, no conflicts (2 of 4 stars). 6 submissions from 6 submitters: Benign (2); Likely benign (4). Last evaluated 2025-10-24.

Conditions:
Tuberous sclerosis syndrome (TSC). Also called: Tuberous Sclerosis Complex; Tuberous sclerosis. Identifiers: Orphanet 805, MedGen C0041341, MONDO:0001734.
Hereditary cancer-predisposing syndrome. Also called: Tumor predisposition; Hereditary Cancer Syndrome; Neoplastic Syndromes, Hereditary; Hereditary neoplastic syndrome. Identifiers: Orphanet 140162, MedGen C0027672, MeSH D009386, MONDO:0015356.
Tuberous sclerosis 1 (TSC1). Identifiers: Orphanet 805, MedGen C1854465, MONDO:0008612, OMIM 191100.

Allele frequency attached by ClinVar (database versions not stated): gnomAD exomes below 0.00001 and 0.00001; gnomAD 0.00001; TOPMed 0.00001.
gnomAD v4.1: 12 of 1,614,072 alleles (0.00074%); highest among the groups gnomAD compares: Non-Finnish European, 0.00093%; no homozygotes.

Submissions (6):

Labcorp Genetics (formerly Invitae), Labcorp
Classification: Likely benign for Tuberous sclerosis 1. Last evaluated: 2025-10-24. Review status: criteria provided, single submitter. Criteria: Invitae Variant Classification Sherloc (09022015). Collection method: clinical testing. Allele origin: germline.

Myriad Genetics, Inc.
Classification: Benign for Tuberous sclerosis 1. Last evaluated: 2025-04-30. Review status: criteria provided, single submitter. Criteria: Myriad Autosomal Dominant, Autosomal Recessive and X-Linked Classification Criteria (2023). Collection method: clinical testing. Allele origin: unknown.
Comment: This variant is considered benign. This variant is a silent/synonymous amino acid change and it is not expected to impact splicing.

All of Us Research Program, National Institutes of Health
Classification: Likely benign for Tuberous sclerosis syndrome. Last evaluated: 2024-05-30. Review status: criteria provided, single submitter. Criteria: ACMG Guidelines, 2015. Collection method: clinical testing. Allele origin: germline. Inheritance: Autosomal dominant inheritance. Observed: 4 variant alleles, 4 heterozygotes.
Comment: This study involves interpretation of variants in research participants for the purpose of population health screening. Participant phenotype was not available at the time of variant classification. Additional details can be found in publication PMID: 35346344, PMCID: PMC8962531

CeGaT Center for Human Genetics Tuebingen
Classification: Likely benign. Last evaluated: 2023-04-01. Review status: criteria provided, single submitter. Criteria: CeGaT Center For Human Genetics Tuebingen Variant Classification Criteria Version 2. Collection method: clinical testing. Allele origin: germline. Affected: yes. Observed: 1 variant allele.
Comment: TSC1: BP4, BP7

Genome-Nilou Lab
Classification: Benign for Tuberous sclerosis 1. Last evaluated: 2021-11-07. Review status: criteria provided, single submitter. Criteria: ACMG Guidelines, 2015. Collection method: clinical testing. Allele origin: germline. Affected: no.

Ambry Genetics
Classification: Likely benign for Hereditary cancer-predisposing syndrome. Last evaluated: 2019-10-09. Review status: criteria provided, single submitter. Criteria: Ambry Variant Classification Scheme 2023. Collection method: clinical testing. Allele origin: germline.